The following is an entry in ClinVar:

ClinVar aggregate classification (germline): Pathogenic (1 of 4 stars; one submission).

Conditions:
Hereditary factor XI deficiency disease. Also called: PLASMA THROMBOPLASTIN ANTECEDENT DEFICIENCY; PTA DEFICIENCY; ROSENTHAL SYNDROME; Congenital factor XI deficiency. Identifiers: Orphanet 329, MedGen C0015523, MeSH D005173, MONDO:0012897, OMIM 612416.

Submission:

Myriad Genetics, Inc.
Classification: Pathogenic for Hereditary factor XI deficiency disease. Last evaluated: 2024-05-14. Review status: criteria provided, single submitter. Criteria: Myriad Autosomal Dominant, Autosomal Recessive and X-Linked Classification Criteria (2023). Collection method: clinical testing. Allele origin: unknown.
Comment: NM_000128.3(F11):c.1210_1213del4ins18(T404Dfs*29) is expected to be pathogenic in the context of factor XI deficiency. This variant is predicted to lead to an abnormal or absent protein product due to the creation of a premature termination codon in F11, a gene where loss-of-function variants are known to be pathogenic. Please note: this variant was assessed in the context of healthy population screening.

NM_000128.4(F11):c.1210_1213delinsGATGTGTATAAGAGACAG (p.Thr404fs)

Gene: F11 (coagulation factor XI; plus strand). Cytogenetic location: 4q35.2.
Variant type: Indel.
Coding change: c.1210_1213delinsGATGTGTATAAGAGACAG on transcript NM_000128.4 (MANE Select); coding-DNA positions 1210 to 1213, ACCC replaced by GATGTGTATAAGAGACAG.
Protein change: p.Thr404fs; shifts the reading frame from threonine 404.
Molecular consequence: frameshift variant.
Genome position (GRCh38, 1-based): chr4:186,284,166-186,284,169, ACCC replaced by GATGTGTATAAGAGACAG. VCF-style: chr4-186284166-ACCC-GATGTGTATAAGAGACAG. GRCh37 (hg19) VCF-style: chr4-187205320-ACCC-GATGTGTATAAGAGACAG.
Other names: c.1162_1165delinsGATGTGTATAAGAGACAG, p.Thr388fs (NM_001440590.1, NM_001440596.1); c.1210_1213delinsGATGTGTATAAGAGACAG, p.Thr404fs (NM_001440593.1); c.940_943delinsGATGTGTATAAGAGACAG, p.Thr314fs (NM_001440605.1, NM_001440607.1); c.892_895delinsGATGTGTATAAGAGACAG, p.Thr298fs (NM_001440606.1, NM_001440608.1); short protein forms T298fs, T314fs, T388fs, T404fs.
Identifiers: ClinVar variation 5016362 (VCV005016362.1).